The following is an entry in ClinVar:

NM_001042492.3(NF1):c.3097_3098del (p.Gln1033fs)

Gene: NF1 (neurofibromin 1; plus strand). Cytogenetic location: 17q11.2.
Variant type: Deletion.
Coding change: c.3097_3098del on transcript NM_001042492.3 (MANE Select); coding-DNA positions 3097 to 3098, 2 bases deleted (CA; older notation c.3097_3098delCA).
Protein change: p.Gln1033fs; shifts the reading frame from glutamine 1033.
Molecular consequence: frameshift variant.
Genome position (GRCh38, 1-based): chr17:31,230,366-31,230,367, CA deleted. VCF-style (leftmost placement, unchanged base first): chr17-31230365-CCA-C. GRCh37 (hg19) VCF-style: chr17-29557383-CCA-C.
Other names: c.3097_3098del, p.Gln1033fs (NM_000267.4); short protein forms Q1033fs.
Identifiers: ClinVar variation 4713459 (VCV004713459.1).

ClinVar aggregate classification (germline): Pathogenic (1 of 4 stars; one submission).

Conditions:
Neurofibromatosis, type 1 (NF1). Also called: VON RECKLINGHAUSEN DISEASE; Peripheral type neurofibromatosis; NEUROFIBROMATOSIS, TYPE I, SOMATIC; Neurofibromatosis, type I. Identifiers: Orphanet 636, MedGen C0027831, MONDO:0018975, OMIM 162200. Disease mechanism: loss of function.

Submission:

Labcorp Genetics (formerly Invitae), Labcorp
Classification: Pathogenic for Neurofibromatosis, type 1. Last evaluated: 2025-02-19. Review status: criteria provided, single submitter. Criteria: Invitae Variant Classification Sherloc (09022015). Collection method: clinical testing. Allele origin: germline.
Comment: This sequence change creates a premature translational stop signal (p.Gln1033Argfs*5) in the NF1 gene. It is expected to result in an absent or disrupted protein product. Loss-of-function variants in NF1 are known to be pathogenic (PMID: 10712197, 23913538). This variant is not present in population databases (gnomAD no frequency). This variant has not been reported in the literature in individuals affected with NF1-related conditions. For these reasons, this variant has been classified as Pathogenic.

Literature cited by the submitters: PubMed 10712197; PubMed 23913538.